The following is an entry in ClinVar:

NM_001127222.2(CACNA1A):c.2616C>A (p.Ser872Arg)

Gene: CACNA1A (calcium voltage-gated channel subunit alpha1 A; minus strand). Cytogenetic location: 19p13.13.
Variant type: single nucleotide variant.
Coding change: c.2616C>A on transcript NM_001127222.2 (MANE Select); coding-DNA position 2616, C replaced by A.
Protein change: p.Ser872Arg; replaces serine 872 with arginine.
Molecular consequence: missense variant.
Genome position (GRCh38, 1-based): chr19:13,299,017, G>T on the plus strand (C>A on the coding strand, the complement: CACNA1A is on the minus strand). VCF-style: chr19-13299017-G-T. GRCh37 (hg19) VCF-style: chr19-13409831-G-T.
Other names: c.2628C>A, p.Ser876Arg (NM_000068.4, NM_023035.3); c.2619C>A, p.Ser873Arg (NM_001127221.2, NM_001174080.2); short protein forms S876R, S872R, S873R.
Identifiers: ClinVar variation 2009269 (VCV002009269.4), dbSNP rs756439860, ClinGen allele CA9240520.

ClinVar aggregate classification (germline): Uncertain significance (1 of 4 stars; one submission).

Conditions:
Episodic ataxia type 2 (EA2). Also called: ATAXIA, EPISODIC, WITH NYSTAGMUS; ATAXIA, FAMILIAL PAROXYSMAL; CEREBELLAR ATAXIA, PAROXYSMAL, ACETAZOLAMIDE-RESPONSIVE; CEREBELLOPATHY, HEREDITARY PAROXYSMAL; ACETAZOLAMIDE-RESPONSIVE HEREDITARY PAROXYSMAL CEREBELLAR ATAXIA; EPISODIC ATAXIA, NYSTAGMUS-ASSOCIATED. Identifiers: Orphanet 97, MedGen C1720416, MONDO:0007163, OMIM 108500.
Developmental and epileptic encephalopathy, 42 (DEE42A). Also called: Epileptic encephalopathy, early infantile, 42; DEVELOPMENTAL AND EPILEPTIC ENCEPHALOPATHY 42A; EPILEPTIC ENCEPHALOPATHY, EARLY INFANTILE, 42A. Identifiers: MedGen C4310716, MONDO:0014917, OMIM 617106.

Allele frequency attached by ClinVar (database versions not stated): ExAC 0.00001; gnomAD 0.00001; gnomAD exomes below 0.00001; TOPMed below 0.00001.
gnomAD v4.1: 3 of 1,588,650 alleles (0.00019%); highest among the groups gnomAD compares: East Asian, 0.0023%; no homozygotes.

Submission:

Labcorp Genetics (formerly Invitae), Labcorp
Classification: Uncertain significance for Developmental and epileptic encephalopathy, 42; Episodic ataxia type 2. Last evaluated: 2021-11-27. Review status: criteria provided, single submitter. Criteria: Invitae Variant Classification Sherloc (09022015). Collection method: clinical testing. Allele origin: germline.
Comment: In summary, the available evidence is currently insufficient to determine the role of this variant in disease. Therefore, it has been classified as a Variant of Uncertain Significance. Advanced modeling of protein sequence and biophysical properties (such as structural, functional, and spatial information, amino acid conservation, physicochemical variation, residue mobility, and thermodynamic stability) performed at Invitae indicates that this missense variant is not expected to disrupt CACNA1A protein function. This variant has not been reported in the literature in individuals affected with CACNA1A-related conditions. The frequency data for this variant in the population databases is considered unreliable, as metrics indicate poor data quality at this position in the gnomAD database. This sequence change replaces serine, which is neutral and polar, with arginine, which is basic and polar, at codon 873 of the CACNA1A protein (p.Ser873Arg).